The following is an entry in ClinVar:

ClinVar aggregate classification (germline): Conflicting classifications of pathogenicity. Review status: criteria provided, conflicting classifications (1 of 4 stars). 2 submissions from 2 submitters: Likely pathogenic (1); Uncertain significance (1). Last evaluated 2025-07-03.

Conditions:
Myofibrillar myopathy 4. Also called: Zaspopathy (type). Identifiers: Orphanet 98912, MedGen C4721886, MONDO:0012277, OMIM 609452.
Cardiovascular phenotype. Identifiers: MedGen CN230736.

Allele frequency attached by ClinVar (database versions not stated): gnomAD 0.00001; TOPMed 0.00001.
gnomAD v4.1: 1 of 1,613,970 alleles (0.000062%); highest among the groups gnomAD compares: African/African-American, 0.0013%; no homozygotes.

Submissions (2):

Labcorp Genetics (formerly Invitae), Labcorp
Classification: Likely pathogenic for Myofibrillar myopathy 4. Last evaluated: 2025-07-03. Review status: criteria provided, single submitter. Criteria: Invitae Variant Classification Sherloc (09022015). Collection method: clinical testing. Allele origin: germline.
Comment: The LDB3 gene has multiple clinically relevant transcripts. This variant occurs in alternate transcript NM_007078.3, and corresponds to NM_001080116.1:c.549-1G>T in the primary transcript. This sequence change affects an acceptor splice site in intron 5 of the LDB3 gene. It is expected to disrupt RNA splicing. Variants that disrupt the donor or acceptor splice site typically lead to a loss of protein function (PMID: 16199547), and loss-of-function variants in LDB3 are known to be pathogenic (PMID: 36253531). This variant is not present in population databases (gnomAD no frequency). This variant has not been reported in the literature in individuals affected with LDB3-related conditions. ClinVar contains an entry for this variant (Variation ID: 3225989). Algorithms developed to predict the effect of sequence changes on RNA splicing suggest that this variant may disrupt the consensus splice site. In summary, the currently available evidence indicates that the variant is pathogenic, but additional data are needed to prove that conclusively. Therefore, this variant has been classified as Likely Pathogenic.

Ambry Genetics
Classification: Uncertain significance for Cardiovascular phenotype. Last evaluated: 2023-10-10. Review status: criteria provided, single submitter. Criteria: Ambry Variant Classification Scheme 2023. Collection method: clinical testing. Allele origin: germline.
Comment: The c.690-1G>T intronic variant results from a G to T substitution one nucleotide upstream from coding exon 5 of the LDB3 gene. This nucleotide position is highly conserved in available vertebrate species. In silico splice site analysis predicts that this alteration will weaken the native splice acceptor site and may result in the creation or strengthening of a novel splice acceptor site. Alterations that disrupt the canonical splice site are expected to cause aberrant splicing, resulting in an abnormal protein or a transcript that is subject to nonsense-mediated mRNA decay. However, loss of function of LDB3 has not been established as a mechanism of disease. Since supporting evidence is limited at this time, the clinical significance of this alteration remains unclear.

Literature cited by the submitters: PubMed 16199547 (cited by Labcorp Genetics (formerly Invitae), Labcorp); PubMed 36253531 (cited by Labcorp Genetics (formerly Invitae), Labcorp).

NM_007078.3(LDB3):c.690-1G>T

Gene: LDB3 (LIM domain binding 3; plus strand). Cytogenetic location: 10q23.2.
Variant type: single nucleotide variant.
Coding change: c.690-1G>T on transcript NM_007078.3 (MANE Select); the canonical splice acceptor site of the intron before coding-DNA position 690, G replaced by T.
Molecular consequence: splice acceptor variant.
Genome position (GRCh38, 1-based): chr10:86,691,895, G>T. VCF-style: chr10-86691895-G-T. GRCh37 (hg19) VCF-style: chr10-88451652-G-T.
Other names: c.690-1G>T (NM_001368064.1, NM_001368063.1, NM_001368065.1 and 1 more transcripts); c.549-1G>T (NM_001368068.1, NM_001368066.1, NM_001080114.2 and 2 more transcripts); c.894-1G>T (NM_001171610.2, NM_001171611.2).
Identifiers: ClinVar variation 3225989 (VCV003225989.2), dbSNP rs1026187830, ClinGen allele CA211184809.
Genomic context (GRCh38, chr10:86,691,895, plus strand): 5'-CAGCAGGGTGGGAACTGGGCTCCAGCCTAGCCCTCGCCCACGGCCTCTCTCTGCATTACA[G>T]GAGCCTCCCTATTAAGGACCTTGCCGTAGACAGCGCCTCTCCCGTCTACCAGGCTGTGAT-3'